The following is an entry in ClinVar:

ClinVar aggregate classification (germline): Conflicting classifications of pathogenicity. Review status: criteria provided, conflicting classifications (1 of 4 stars). 2 submissions from 2 submitters: Uncertain significance (1); Likely benign (1). Last evaluated 2023-02-14.

Conditions:
MACF1-related disorder. Also called: MACF1-related condition.

Allele frequency attached by ClinVar (database versions not stated): gnomAD exomes 0.00001.
gnomAD v4.1: 20 of 1,612,834 alleles (0.0012%); highest among the groups gnomAD compares: Non-Finnish European, 0.00093%; no homozygotes.

Submissions (2):

PreventionGenetics, part of Exact Sciences
Classification: Uncertain significance for MACF1-related condition. Last evaluated: 2023-02-14. Review status: criteria provided, single submitter. Criteria: ACMG Guidelines, 2015. Collection method: clinical testing. Allele origin: germline.
Comment: The MACF1 c.2168C>A variant is predicted to result in the amino acid substitution p.Ser723Tyr. To our knowledge, this variant has not been reported in the literature. This variant is reported in 0.00089% of alleles in individuals of European (Non-Finnish) descent in gnomAD. At this time, the clinical significance of this variant is uncertain due to the absence of conclusive functional and genetic evidence.

Labcorp Genetics (formerly Invitae), Labcorp
Classification: Likely benign. Last evaluated: 2022-09-01. Review status: criteria provided, single submitter. Criteria: Invitae Variant Classification Sherloc (09022015). Collection method: clinical testing. Allele origin: germline.

NM_001394062.1(MACF1):c.2153C>A (p.Ser718Tyr)

Gene: MACF1 (microtubule actin crosslinking factor 1; plus strand). Cytogenetic location: 1p34.3.
Variant type: single nucleotide variant.
Coding change: c.2153C>A on transcript NM_001394062.1 (MANE Select); coding-DNA position 2153, C replaced by A.
Protein change: p.Ser718Tyr; replaces serine 718 with tyrosine.
Molecular consequence: missense variant.
Genome position (GRCh38, 1-based): chr1:39,293,618, C>A. VCF-style: chr1-39293618-C-A. GRCh37 (hg19) VCF-style: chr1-39759290-C-A.
Other names: c.2168C>A, p.Ser723Tyr (NM_012090.5); short protein forms S718Y, S723Y.
Identifiers: ClinVar variation 2021061 (VCV002021061.5), dbSNP rs1457147107, ClinGen allele CA339767676.